The following is an entry in ClinVar:

ClinVar aggregate classification (germline): Likely benign (1 of 4 stars; one submission).

gnomAD v4.1: 2 of 1,613,528 alleles (0.00012%); highest among the groups gnomAD compares: Non-Finnish European, 0.00017%; no homozygotes.

Submission:

CeGaT Center for Human Genetics Tuebingen
Classification: Likely benign. Last evaluated: 2025-08-01. Review status: criteria provided, single submitter. Criteria: CeGaT Center For Human Genetics Tuebingen Variant Classification Criteria Version 2. Collection method: clinical testing. Allele origin: germline. Affected: yes. Observed: 1 variant allele.
Comment: HSD3B2: BP4, BP7

NM_000198.4(HSD3B2):c.342C>T (p.Ala114=)

Gene: HSD3B2 (hydroxy-delta-5-steroid dehydrogenase, 3 beta- and steroid delta-isomerase 2; plus strand). Cytogenetic location: 1p12.
Variant type: single nucleotide variant.
Coding change: c.342C>T on transcript NM_000198.4 (MANE Select); coding-DNA position 342, C replaced by T.
Protein change: p.Ala114=; no amino-acid change (alanine 114 retained).
Molecular consequence: synonymous variant.
Genome position (GRCh38, 1-based): chr1:119,421,843, C>T. VCF-style: chr1-119421843-C-T. GRCh37 (hg19) VCF-style: chr1-119964466-C-T.
Other names: c.342C>T, p.Ala114= (NM_001166120.2).
Identifiers: ClinVar variation 4084674 (VCV004084674.8).
Genomic context (GRCh38, chr1:119,421,843, plus strand): 5'-ACTGTCATCATGCTCTTCGTGGGCAGGTACCCAGCTACTGTTGGAGGCCTGTGTCCAAGC[C>T]AGTGTGCCAGTCTTCATCTACACCAGTAGCATAGAGGTAGCCGGGCCCAACTCCTACAAG-3'
Protein context (NP_000189.1, residues 104-124): TQLLLEACVQ[Ala114=]SVPVFIYTSS